The following is an entry in ClinVar:

ClinVar aggregate classification (germline): Uncertain significance. Review status: criteria provided, multiple submitters, no conflicts (2 of 4 stars). 2 submissions from 2 submitters: Uncertain significance (2). Last evaluated 2025-03-07.

Conditions:
Fanconi anemia (FA). Also called: Fanconi's anemia. Identifiers: Orphanet 84, MedGen C0015625, MeSH D005199, MONDO:0019391.
Hereditary cancer-predisposing syndrome. Also called: Tumor predisposition; Hereditary Cancer Syndrome; Hereditary neoplastic syndrome; Neoplastic Syndromes, Hereditary. Identifiers: Orphanet 140162, MedGen C0027672, MeSH D009386, MONDO:0015356.

Allele frequency attached by ClinVar (database versions not stated): TOPMed 0.00001.

Submissions (2):

Ambry Genetics
Classification: Uncertain significance for Hereditary cancer-predisposing syndrome. Last evaluated: 2025-03-07. Review status: criteria provided, single submitter. Criteria: Ambry Variant Classification Scheme 2023. Collection method: clinical testing. Allele origin: germline.
Comment: The p.L365F variant (also known as c.1093C>T), located in coding exon 11 of the FANCC gene, results from a C to T substitution at nucleotide position 1093. The leucine at codon 365 is replaced by phenylalanine, an amino acid with highly similar properties. This amino acid position is conserved. In addition, this alteration is predicted to be tolerated by in silico analysis. Based on the available evidence, the clinical significance of this variant remains unclear.

Labcorp Genetics (formerly Invitae), Labcorp
Classification: Uncertain significance for Fanconi anemia. Last evaluated: 2016-08-03. Review status: criteria provided, single submitter. Criteria: Invitae Variant Classification Sherloc (09022015). Collection method: clinical testing. Allele origin: germline.
Comment: In summary, this variant is a novel missense change that is not predicted to affect protein function. There is no indication that it causes disease, but the available evidence is currently insufficient to prove that conclusively. Therefore, it has been classified as a Variant of Uncertain Significance. This sequence change replaces leucine with phenylalanine at codon 365 of the FANCC protein (p.Leu365Phe). The leucine residue is highly conserved and there is a small physicochemical difference between leucine and phenylalanine. This variant is not present in population databases (ExAC no frequency) and has not been reported in the literature in individuals with a FANCC-related disease. Algorithms developed to predict the effect of missense changes on protein structure and function (SIFT, PolyPhen-2, Align-GVGD) all suggest that this variant is likely to be tolerated, but these predictions have not been confirmed by published functional studies.

NM_000136.3(FANCC):c.1093C>T (p.Leu365Phe)

Genes: AOPEP (aminopeptidase O (putative); plus strand), FANCC (FA complementation group C; minus strand). Cytogenetic location: 9q22.32.
Variant type: single nucleotide variant.
Coding change: c.1093C>T on transcript NM_000136.3 (MANE Select); coding-DNA position 1093, C replaced by T.
Protein change: p.Leu365Phe; replaces leucine 365 with phenylalanine.
Molecular consequence: missense variant.
Genome position (GRCh38, 1-based): chr9:95,114,690, G>A on the plus strand (C>T on the coding strand, the complement: FANCC is on the minus strand). VCF-style: chr9-95114690-G-A. GRCh37 (hg19) VCF-style: chr9-97876972-G-A.
Other names: c.1093C>T, p.Leu365Phe (NM_001243743.2, NM_001243744.2); short protein forms L365F.
Identifiers: ClinVar variation 409654 (VCV000409654.10), dbSNP rs1060502514, ClinGen allele CA16612630.
Genomic context (GRCh38, chr9:95,114,690, plus strand): 5'-CATGAGTCTGGTCTTCAACTGCTTCTCTGAGCAGTTCAGAAATATGCTTCAGTGTCTGGA[G>A]CCAGTGTCCCCGAGGGATATCTGCGGGTGGAGAGAGATACGTCAGAGGGCAACTGAGGAA-3'
Protein context (NP_000127.2, residues 355-375): DPQDIPRGHW[Leu365Phe]QTLKHISELL